The following is an entry in ClinVar:

ClinVar aggregate classification (germline): Uncertain significance. Review status: criteria provided, multiple submitters, no conflicts (2 of 4 stars). 3 submissions from 3 submitters: Uncertain significance (3). Last evaluated 2024-11-26.

Conditions:
Hereditary cancer-predisposing syndrome. Also called: Hereditary Cancer Syndrome; Hereditary neoplastic syndrome; Neoplastic Syndromes, Hereditary; Tumor predisposition. Identifiers: Orphanet 140162, MedGen C0027672, MeSH D009386, MONDO:0015356.

Allele frequency attached by ClinVar (database versions not stated): TOPMed below 0.00001.
gnomAD v4.1: 1 of 1,614,118 alleles (0.000062%); highest among the groups gnomAD compares: African/African-American, 0.0013%; no homozygotes.

Submissions (3):

Ambry Genetics
Classification: Uncertain significance for Hereditary cancer-predisposing syndrome. Last evaluated: 2024-11-26. Review status: criteria provided, single submitter. Criteria: Ambry Variant Classification Scheme 2023. Collection method: clinical testing. Allele origin: germline.
Comment: The p.P227A variant (also known as c.679C>G), located in coding exon 7 of the POLE gene, results from a C to G substitution at nucleotide position 679. The proline at codon 227 is replaced by alanine, an amino acid with highly similar properties. This amino acid position is conserved. In addition, the in silico prediction for this alteration is inconclusive. Based on the available evidence, the clinical significance of this variant remains unclear.

GeneDx
Classification: Uncertain significance. Last evaluated: 2024-06-21. Review status: criteria provided, single submitter. Criteria: GeneDx Variant Classification Process June 2021. Collection method: clinical testing. Allele origin: germline. Affected: yes.
Comment: Not observed at significant frequency in large population cohorts (gnomAD); In silico analysis supports that this missense variant has a deleterious effect on protein structure/function; Has not been previously published as pathogenic or benign to our knowledge

Labcorp Genetics (formerly Invitae), Labcorp
Classification: Uncertain significance. Last evaluated: 2024-05-21. Review status: criteria provided, single submitter. Criteria: Invitae Variant Classification Sherloc (09022015). Collection method: clinical testing. Allele origin: germline.
Comment: This sequence change replaces proline, which is neutral and non-polar, with alanine, which is neutral and non-polar, at codon 227 of the POLE protein (p.Pro227Ala). This variant is not present in population databases (gnomAD no frequency). This variant has not been reported in the literature in individuals affected with POLE-related conditions. ClinVar contains an entry for this variant (Variation ID: 1447176). Advanced modeling of protein sequence and biophysical properties (such as structural, functional, and spatial information, amino acid conservation, physicochemical variation, residue mobility, and thermodynamic stability) has been performed at Invitae for this missense variant, however the output from this modeling did not meet the statistical confidence thresholds required to predict the impact of this variant on POLE protein function. In summary, the available evidence is currently insufficient to determine the role of this variant in disease. Therefore, it has been classified as a Variant of Uncertain Significance.

NM_006231.4(POLE):c.679C>G (p.Pro227Ala)

Gene: POLE (DNA polymerase epsilon, catalytic subunit; minus strand). Cytogenetic location: 12q24.33.
Variant type: single nucleotide variant.
Coding change: c.679C>G on transcript NM_006231.4 (MANE Select); coding-DNA position 679, C replaced by G.
Protein change: p.Pro227Ala; replaces proline 227 with alanine.
Molecular consequence: missense variant.
Genome position (GRCh38, 1-based): chr12:132,677,619, G>C on the plus strand (C>G on the coding strand, the complement: POLE is on the minus strand). VCF-style: chr12-132677619-G-C. GRCh37 (hg19) VCF-style: chr12-133254205-G-C.
Other names: c.679C>G (NM_006231.2); short protein forms P227A.
Identifiers: ClinVar variation 1447176 (VCV001447176.11), dbSNP rs2043084702, ClinGen allele CA387364819.